The following is an entry in ClinVar:

NM_017780.4(CHD7):c.6685T>C (p.Ser2229Pro)

Gene: CHD7 (chromodomain helicase DNA binding protein 7; plus strand). Cytogenetic location: 8q12.2.
Variant type: single nucleotide variant.
Coding change: c.6685T>C on transcript NM_017780.4 (MANE Select); coding-DNA position 6685, T replaced by C.
Protein change: p.Ser2229Pro; replaces serine 2229 with proline.
Molecular consequence: missense variant. On other transcripts: intron variant (1).
Genome position (GRCh38, 1-based): chr8:60,853,410, T>C. VCF-style: chr8-60853410-T-C. GRCh37 (hg19) VCF-style: chr8-61765969-T-C.
Other names: c.1717-8819T>C (NM_001316690.1); short protein forms S2229P.
Identifiers: ClinVar variation 911837 (VCV000911837.8), dbSNP rs1805566024, ClinGen allele CA371326101.

ClinVar aggregate classification (germline): Conflicting classifications of pathogenicity. Review status: criteria provided, conflicting classifications (1 of 4 stars). 3 submissions from 3 submitters: Uncertain significance (2); Likely benign (1). Last evaluated 2024-04-04.

Conditions:
Hypogonadotropic hypogonadism 5 with or without anosmia (KAL5). Also called: HYPOGONADOTROPIC HYPOGONADISM 5 WITH ANOSMIA; HYPOGONADOTROPHIC HYPOGONADISM 5 WITHOUT ANOSMIA; CHD7-Related GnRH Deficiency (Kallmann Syndrome 5). Identifiers: Orphanet 478, MedGen C3552553, MONDO:0012880, OMIM 612370. Disease mechanism: loss of function.
Inborn genetic diseases. Identifiers: MedGen C0950123, MeSH D030342.
CHARGE syndrome (CHARGE). Also called: CHARGE ASSOCIATION--COLOBOMA, HEART ANOMALY, CHOANAL ATRESIA, RETARDATION, GENITAL AND EAR ANOMALIES; Coloboma, heart anomaly, choanal atresia, retardation, genital and ear anomalies; CHARGE association; Hall-Hittner syndrome; Hittner Hirsch Kreh syndrome. Identifiers: Orphanet 138, MedGen C0265354, MONDO:0008965.

Allele frequency attached by ClinVar (database versions not stated): gnomAD exomes 0.00001.
gnomAD v4.1: 7 of 1,525,506 alleles (0.00046%); highest among the groups gnomAD compares: Non-Finnish European, 0.00053%; no homozygotes.

Submissions (3):

Labcorp Genetics (formerly Invitae), Labcorp
Classification: Uncertain significance for CHARGE syndrome. Last evaluated: 2024-04-04. Review status: criteria provided, single submitter. Criteria: Invitae Variant Classification Sherloc (09022015). Collection method: clinical testing. Allele origin: germline.
Comment: This sequence change replaces serine, which is neutral and polar, with proline, which is neutral and non-polar, at codon 2229 of the CHD7 protein (p.Ser2229Pro). This variant is not present in population databases (gnomAD no frequency). This variant has not been reported in the literature in individuals affected with CHD7-related conditions. ClinVar contains an entry for this variant (Variation ID: 911837). Advanced modeling of protein sequence and biophysical properties (such as structural, functional, and spatial information, amino acid conservation, physicochemical variation, residue mobility, and thermodynamic stability) performed at Invitae indicates that this missense variant is not expected to disrupt CHD7 protein function with a negative predictive value of 95%. In summary, the available evidence is currently insufficient to determine the role of this variant in disease. Therefore, it has been classified as a Variant of Uncertain Significance.

Ambry Genetics
Classification: Likely benign for Inborn genetic diseases. Last evaluated: 2023-06-26. Review status: criteria provided, single submitter. Criteria: Ambry Variant Classification Scheme 2023. Collection method: clinical testing. Allele origin: germline.

Illumina Laboratory Services, Illumina
Classification: Uncertain significance for Kallmann Syndrome 5. Last evaluated: 2018-01-13. Review status: criteria provided, single submitter. Criteria: ICSL Variant Classification Criteria 13 December 2019. Collection method: clinical testing. Allele origin: germline.